The following is an entry in ClinVar:

ClinVar aggregate classification (germline): Pathogenic (1 of 4 stars; one submission).

Conditions:
Primary ciliary dyskinesia. Also called: Ciliary dyskinesia. Identifiers: Orphanet 244, MedGen C0008780, MONDO:0016575, HP:0012265.

Submission:

Labcorp Genetics (formerly Invitae), Labcorp
Classification: Pathogenic for Primary ciliary dyskinesia. Last evaluated: 2023-07-17. Review status: criteria provided, single submitter. Criteria: Invitae Variant Classification Sherloc (09022015). Collection method: clinical testing. Allele origin: germline.
Comment: For these reasons, this variant has been classified as Pathogenic. This variant has not been reported in the literature in individuals affected with CCDC40-related conditions. This variant is present in population databases (rs757076408, gnomAD 0.0009%). This sequence change creates a premature translational stop signal (p.Arg261Serfs*7) in the CCDC40 gene. It is expected to result in an absent or disrupted protein product. Loss-of-function variants in CCDC40 are known to be pathogenic (PMID: 21131974, 22693285, 23255504).

Literature cited by the submitters: PubMed 21131974; PubMed 22693285; PubMed 23255504.

NM_017950.4(CCDC40):c.783_784del (p.Arg261fs)

Gene: CCDC40 (coiled-coil domain 40 molecular ruler complex subunit; plus strand). Cytogenetic location: 17q25.3.
Variant type: Microsatellite.
Coding change: c.783_784del on transcript NM_017950.4 (MANE Select); coding-DNA positions 783 to 784, 2 bases deleted (AG; older notation c.783_784delAG).
Protein change: p.Arg261fs; shifts the reading frame from arginine 261.
Molecular consequence: frameshift variant.
Genome position (GRCh38, 1-based): chr17:80,048,689-80,048,690, AG deleted; deleting any 2 consecutive bases within chr17:80,048,683-80,048,690 gives the same sequence; the c. name uses the placement nearest the transcript's 3' end. VCF-style (leftmost placement, unchanged base first): chr17-80048682-CAG-C. GRCh37 (hg19) VCF-style: chr17-78022481-CAG-C.
Other names: c.783_784del, p.Arg261fs (NM_001243342.2, NM_001330508.2); short protein forms R261fs.
Identifiers: ClinVar variation 1452881 (VCV001452881.6), dbSNP rs757076408, ClinGen allele CA8813567.
Genomic context (GRCh38, chr17:80,048,682, plus strand): 5'-GAGACCTGCCAGTGTTCCAGGACCAGATCCAGCAGCCCAGCACCGAGGAGGGGGCCATGG[CAG>C]AGAGAGTGGAGTCCGAGGGGAGTGACGAGGAAGCAGAAGACGAAGGGTCCCAGCTGGTGG-3'